The following is an entry in ClinVar:

ClinVar aggregate classification (germline): Uncertain significance. Review status: criteria provided, multiple submitters, no conflicts (2 of 4 stars). 3 submissions from 3 submitters: Uncertain significance (3). Last evaluated 2026-06-01.

Allele frequency attached by ClinVar (database versions not stated): gnomAD exomes 0.00001; ExAC 0.00002; TOPMed 0.00002.
gnomAD v4.1: 4 of 1,614,186 alleles (0.00025%); highest among the groups gnomAD compares: Admixed American, 0.0067%; no homozygotes.

Submissions (3):

GeneDx
Classification: Uncertain significance. Last evaluated: 2026-06-01. Review status: criteria provided, single submitter. Criteria: GeneDx Variant Classification Process June 2021. Collection method: clinical testing. Allele origin: germline.
Comment: In silico analysis supports that this missense variant has a deleterious effect on protein structure/function; Occurs in the triple helical domain within an interruption of the canonical Gly-X-Y repeat; Has not been previously published as pathogenic or benign to our knowledge

Labcorp Genetics (formerly Invitae), Labcorp
Classification: Uncertain significance. Last evaluated: 2024-03-12. Review status: criteria provided, single submitter. Criteria: Invitae Variant Classification Sherloc (09022015). Collection method: clinical testing. Allele origin: germline.
Comment: This sequence change replaces proline, which is neutral and non-polar, with leucine, which is neutral and non-polar, at codon 1223 of the COL4A4 protein (p.Pro1223Leu). This variant is present in population databases (rs748597555, gnomAD 0.01%). This variant has not been reported in the literature in individuals affected with COL4A4-related conditions. ClinVar contains an entry for this variant (Variation ID: 2499743). Advanced modeling of protein sequence and biophysical properties (such as structural, functional, and spatial information, amino acid conservation, physicochemical variation, residue mobility, and thermodynamic stability) performed at Invitae indicates that this missense variant is not expected to disrupt COL4A4 protein function with a negative predictive value of 95%. In summary, the available evidence is currently insufficient to determine the role of this variant in disease. Therefore, it has been classified as a Variant of Uncertain Significance.

Women's Health and Genetics/Laboratory Corporation of America, LabCorp
Classification: Uncertain significance. Last evaluated: 2024-01-12. Review status: criteria provided, single submitter. Criteria: LabCorp Variant Classification Summary - May 2015. Collection method: clinical testing. Allele origin: germline.
Comment: Variant summary: COL4A4 c.3668C>T (p.Pro1223Leu) results in a non-conservative amino acid change in the encoded protein sequence. Four of five in-silico tools predict a damaging effect of the variant on protein function. The variant allele was found at a frequency of 2e-05 in 249480 control chromosomes. The available data on variant occurrences in the general population are insufficient to allow any conclusion about variant significance. To our knowledge, no occurrence of c.3668C>T in individuals affected with Alport Syndrome, Autosomal Recessive and no experimental evidence demonstrating its impact on protein function have been reported. ClinVar contains an entry for this variant (Variation ID: 2499743). Based on the evidence outlined above, the variant was classified as uncertain significance.

NM_000092.5(COL4A4):c.3668C>T (p.Pro1223Leu)

Gene: COL4A4 (collagen type IV alpha 4 chain; minus strand). Cytogenetic location: 2q36.3.
Variant type: single nucleotide variant.
Coding change: c.3668C>T on transcript NM_000092.5 (MANE Select); coding-DNA position 3668, C replaced by T.
Protein change: p.Pro1223Leu; replaces proline 1223 with leucine.
Molecular consequence: missense variant.
Genome position (GRCh38, 1-based): chr2:227,032,186, G>A on the plus strand (C>T on the coding strand, the complement: COL4A4 is on the minus strand). VCF-style: chr2-227032186-G-A. GRCh37 (hg19) VCF-style: chr2-227896902-G-A.
Other names: short protein forms P1223L.
Identifiers: ClinVar variation 2499743 (VCV002499743.5), dbSNP rs748597555, ClinGen allele CA2144457.
Genomic context (GRCh38, chr2:227,032,186, plus strand): 5'-GGCAAAGCATGCTACAGCTTACCTGGGGGTCCTGGGGGACCTTTCTTTCCACGAGGACCT[G>A]GAGGAGAGATTCCTGGGCTCCCAGGGTCTCCTCTCTCCCCTTTTAGCCCAGGTATTCCCA-3'
Protein context (NP_000083.3, residues 1213-1233): GDPGSPGISP[Pro1223Leu]GPRGKKGPPG